The following is an entry in ClinVar:

NM_002691.4(POLD1):c.951C>G (p.Ile317Met)

Gene: POLD1 (DNA polymerase delta 1, catalytic subunit; plus strand). Cytogenetic location: 19q13.33.
Variant type: single nucleotide variant.
Coding change: c.951C>G on transcript NM_002691.4 (MANE Select); coding-DNA position 951, C replaced by G.
Protein change: p.Ile317Met; replaces isoleucine 317 with methionine.
Molecular consequence: missense variant. On other transcripts: non-coding transcript variant (1).
Genome position (GRCh38, 1-based): chr19:50,402,722, C>G. VCF-style: chr19-50402722-C-G. GRCh37 (hg19) VCF-style: chr19-50905979-C-G.
Other names: c.951C>G, p.Ile317Met (NM_001256849.1, NM_001308632.1); short protein forms I317M.
Identifiers: ClinVar variation 1767241 (VCV001767241.6), dbSNP rs771902654, ClinGen allele CA406977368.
Genomic context (GRCh38, chr19:50,402,722, plus strand): 5'-TCACCCACCGGAAGGGCCATGGCAGCGCATTGCGCCCTTGCGCGTGCTCAGCTTCGATAT[C>G]GAGTGCGCCGGCCGCAAAGGTCTGTCCCCGGGCCCGGGCTCCTGCCCGCCTCATTGATGT-3'
Protein context (NP_002682.2, residues 307-327): IAPLRVLSFD[Ile317Met]ECAGRKGIFP

ClinVar aggregate classification (germline): Uncertain significance. Review status: criteria provided, multiple submitters, no conflicts (2 of 4 stars). 2 submissions from 2 submitters: Uncertain significance (2). Last evaluated 2023-06-05.

Conditions:
Hereditary cancer-predisposing syndrome. Also called: Neoplastic Syndromes, Hereditary; Tumor predisposition; Hereditary neoplastic syndrome; Hereditary Cancer Syndrome. Identifiers: Orphanet 140162, MedGen C0027672, MeSH D009386, MONDO:0015356.
POLD1-related polyposis and colorectal cancer syndrome (CRCS10). Also called: COLORECTAL CANCER, SUSCEPTIBILITY TO, ON CHROMOSOME 19q; Colorectal cancer 10; Colorectal cancer, susceptibility to, 10. Identifiers: Orphanet 220460, MedGen C2675481, MONDO:0012953, OMIM 612591.

Submissions (2):

Labcorp Genetics (formerly Invitae), Labcorp
Classification: Uncertain significance for POLD1-related polyposis and colorectal cancer syndrome. Last evaluated: 2023-06-05. Review status: criteria provided, single submitter. Criteria: Invitae Variant Classification Sherloc (09022015). Collection method: clinical testing. Allele origin: germline.
Comment: This sequence change replaces isoleucine, which is neutral and non-polar, with methionine, which is neutral and non-polar, at codon 317 of the POLD1 protein (p.Ile317Met). This variant is not present in population databases (gnomAD no frequency). This variant has not been reported in the literature in individuals affected with POLD1-related conditions. ClinVar contains an entry for this variant (Variation ID: 1767241). Advanced modeling of protein sequence and biophysical properties (such as structural, functional, and spatial information, amino acid conservation, physicochemical variation, residue mobility, and thermodynamic stability) performed at Invitae indicates that this missense variant is expected to disrupt POLD1 protein function. In summary, the available evidence is currently insufficient to determine the role of this variant in disease. Therefore, it has been classified as a Variant of Uncertain Significance.

Ambry Genetics
Classification: Uncertain significance for Hereditary cancer-predisposing syndrome. Last evaluated: 2023-04-25. Review status: criteria provided, single submitter. Criteria: Ambry Variant Classification Scheme 2023. Collection method: clinical testing. Allele origin: germline.
Comment: The p.I317M variant (also known as c.951C>G), located in coding exon 7 of the POLD1 gene, results from a C to G substitution at nucleotide position 951. The isoleucine at codon 317 is replaced by methionine, an amino acid with highly similar properties. This amino acid position is highly conserved in available vertebrate species. In addition, the in silico prediction for this alteration is inconclusive. Since supporting evidence is limited at this time, the clinical significance of this alteration remains unclear.